The following is an entry in ClinVar:

ClinVar aggregate classification (germline): Likely pathogenic. Review status: criteria provided, multiple submitters, no conflicts (2 of 4 stars). 2 submissions from 2 submitters: Likely pathogenic (2). Last evaluated 2024-02-07.

Conditions:
Early-infantile DEE. Also called: Early infantile epileptic encephalopathy with suppression bursts; Early infantile epileptic encephalopathy; Ohtahara syndrome. Identifiers: Orphanet 1934, MedGen C0393706, MONDO:0800491.
Generalized epilepsy with febrile seizures plus, type 2 (GEFSP2). Also called: GEFS+, TYPE 2. Identifiers: Orphanet 36387, MedGen C1858673, MONDO:0011461, OMIM 604403.

Submissions (2):

Labcorp Genetics (formerly Invitae), Labcorp
Classification: Likely pathogenic for Early-infantile DEE. Last evaluated: 2024-02-07. Review status: criteria provided, single submitter. Criteria: Invitae Variant Classification Sherloc (09022015). Collection method: clinical testing. Allele origin: germline.
Comment: This sequence change replaces aspartic acid, which is acidic and polar, with asparagine, which is neutral and polar, at codon 1544 of the SCN1A protein (p.Asp1544Asn). This variant is not present in population databases (gnomAD no frequency). This variant has not been reported in the literature in individuals affected with SCN1A-related conditions. ClinVar contains an entry for this variant (Variation ID: 2430247). Advanced modeling of protein sequence and biophysical properties (such as structural, functional, and spatial information, amino acid conservation, physicochemical variation, residue mobility, and thermodynamic stability) performed at Invitae indicates that this missense variant is expected to disrupt SCN1A protein function with a positive predictive value of 95%. This variant disrupts the p.Asp1544 amino acid residue in SCN1A. Other variant(s) that disrupt this residue have been determined to be pathogenic (PMID: 18930999, 21248271). This suggests that this residue is clinically significant, and that variants that disrupt this residue are likely to be disease-causing. In summary, the currently available evidence indicates that the variant is pathogenic, but additional data are needed to prove that conclusively. Therefore, this variant has been classified as Likely Pathogenic.

Institute of Human Genetics, University of Leipzig Medical Center
Classification: Likely pathogenic for Generalized epilepsy with febrile seizures plus, type 2. Last evaluated: 2023-02-02. Review status: criteria provided, single submitter. Criteria: ACMG Guidelines, 2015. Collection method: clinical testing. Allele origin: unknown. Affected: yes.
Comment: _x000D_ Criteria applied: PM5_STR, PM1, PM2_SUP, PP3

Literature cited by the submitters: PubMed 18930999 (cited by Labcorp Genetics (formerly Invitae), Labcorp); PubMed 21248271 (cited by Labcorp Genetics (formerly Invitae), Labcorp).

NM_001165963.4(SCN1A):c.4630G>A (p.Asp1544Asn)

Genes: SCN1A (sodium voltage-gated channel alpha subunit 1; minus strand), LOC102724058 (uncharacterized LOC102724058; plus strand). Cytogenetic location: 2q24.3.
Variant type: single nucleotide variant.
Coding change: c.4630G>A on transcript NM_001165963.4 (MANE Select); coding-DNA position 4630, G replaced by A.
Protein change: p.Asp1544Asn; replaces aspartic acid 1544 with asparagine.
Molecular consequence: missense variant. On other transcripts: non-coding transcript variant (1).
Genome position (GRCh38, 1-based): chr2:165,994,368, C>T on the plus strand (G>A on the coding strand, the complement: SCN1A is on the minus strand). VCF-style: chr2-165994368-C-T. GRCh37 (hg19) VCF-style: chr2-166850878-C-T.
Other names: c.4546G>A, p.Asp1516Asn (NM_001165964.3, NM_001353957.2, NM_001353958.2); c.4630G>A, p.Asp1544Asn (NM_001202435.3, NM_001353948.2); c.4597G>A, p.Asp1533Asn (NM_001353949.2, NM_001353950.2, NM_001353951.2 and 2 more transcripts); c.4594G>A, p.Asp1532Asn (NM_001353954.2, NM_001353955.2); c.4543G>A, p.Asp1515Asn (NM_001353960.2); c.2188G>A, p.Asp730Asn (NM_001353961.2); short protein forms D1515N, D1516N, D1532N, D1533N, D1544N, D730N.
Identifiers: ClinVar variation 2430247 (VCV002430247.3), dbSNP rs1131691367, ClinGen allele CA349072278.